The following is an entry in ClinVar:

NM_000492.4(CFTR):c.2380G>C (p.Val794Leu)

Gene: CFTR (CF transmembrane conductance regulator; plus strand). Cytogenetic location: 7q31.2.
Variant type: single nucleotide variant.
Coding change: c.2380G>C on transcript NM_000492.4 (MANE Select); coding-DNA position 2380, G replaced by C.
Protein change: p.Val794Leu; replaces valine 794 with leucine.
Molecular consequence: missense variant.
Genome position (GRCh38, 1-based): chr7:117,592,547, G>C. VCF-style: chr7-117592547-G-C. GRCh37 (hg19) VCF-style: chr7-117232601-G-C.
Other names: short protein forms V794L.
Identifiers: ClinVar variation 2907989 (VCV002907989.3), dbSNP rs1457489949, ClinGen allele CA368981091.

ClinVar aggregate classification (germline): Uncertain significance (1 of 4 stars; one submission).

Conditions:
Cystic fibrosis (CF). Also called: MUCOVISCIDOSIS. Identifiers: Orphanet 586, MedGen C0010674, MONDO:0009061, OMIM 219700. Disease mechanism: loss of function.

Submission:

Labcorp Genetics (formerly Invitae), Labcorp
Classification: Uncertain significance for Cystic fibrosis. Last evaluated: 2023-02-04. Review status: criteria provided, single submitter. Criteria: Invitae Variant Classification Sherloc (09022015). Collection method: clinical testing. Allele origin: germline.
Comment: This sequence change replaces valine, which is neutral and non-polar, with leucine, which is neutral and non-polar, at codon 794 of the CFTR protein (p.Val794Leu). This variant is present in population databases (no rsID available, gnomAD 0.007%). This variant has not been reported in the literature in individuals affected with CFTR-related conditions. Advanced modeling of protein sequence and biophysical properties (such as structural, functional, and spatial information, amino acid conservation, physicochemical variation, residue mobility, and thermodynamic stability) performed at Invitae indicates that this missense variant is not expected to disrupt CFTR protein function. In summary, the available evidence is currently insufficient to determine the role of this variant in disease. Therefore, it has been classified as a Variant of Uncertain Significance.